The following is an entry in ClinVar:

NM_001111125.3(IQSEC2):c.2608G>A (p.Ala870Thr)

Gene: IQSEC2 (IQ motif and Sec7 domain ArfGEF 2; minus strand). Cytogenetic location: Xp11.22.
Variant type: single nucleotide variant.
Coding change: c.2608G>A on transcript NM_001111125.3 (MANE Select); coding-DNA position 2608, G replaced by A.
Protein change: p.Ala870Thr; replaces alanine 870 with threonine.
Molecular consequence: missense variant.
Genome position (GRCh38, 1-based): chrX:53,247,110, C>T on the plus strand (G>A on the coding strand, the complement: IQSEC2 is on the minus strand). VCF-style: chrX-53247110-C-T. GRCh37 (hg19) VCF-style: chrX-53276292-C-T.
Other names: c.2608G>A, p.Ala870Thr (NM_001410736.1); c.1993G>A, p.Ala665Thr (NM_015075.2); short protein forms A665T, A870T.
Identifiers: ClinVar variation 3765679 (VCV003765679.1).

ClinVar aggregate classification (germline): Uncertain significance (1 of 4 stars; one submission).

Submission:

Greenwood Genetic Center Diagnostic Laboratories, Greenwood Genetic Center
Classification: Uncertain significance. Last evaluated: 2024-10-01. Review status: criteria provided, single submitter. Criteria: ACMG Guidelines, 2015. Collection method: clinical testing. Allele origin: germline. Affected: yes.
Comment: PM2, BP4, PP2